The following is an entry in ClinVar:

ClinVar aggregate classification (germline): Uncertain significance (1 of 4 stars; one submission).

Submission:

Labcorp Genetics (formerly Invitae), Labcorp
Classification: Uncertain significance. Last evaluated: 2025-09-21. Review status: criteria provided, single submitter. Criteria: Invitae Variant Classification Sherloc (09022015). Collection method: clinical testing. Allele origin: germline.
Comment: This sequence change replaces phenylalanine, which is neutral and non-polar, with leucine, which is neutral and non-polar, at codon 169 of the THBD protein (p.Phe169Leu). This variant is not present in population databases (gnomAD no frequency). This variant has not been reported in the literature in individuals affected with THBD-related conditions. ClinVar contains an entry for this variant (Variation ID: 3721135). Invitae Evidence Modeling of protein sequence and biophysical properties (such as structural, functional, and spatial information, amino acid conservation, physicochemical variation, residue mobility, and thermodynamic stability) indicates that this missense variant is not expected to disrupt THBD protein function with a negative predictive value of 80%. In summary, the available evidence is currently insufficient to determine the role of this variant in disease. Therefore, it has been classified as a Variant of Uncertain Significance.

NM_000361.3(THBD):c.505T>C (p.Phe169Leu)

Gene: THBD (thrombomodulin; minus strand). Cytogenetic location: 20p11.21.
Variant type: single nucleotide variant.
Coding change: c.505T>C on transcript NM_000361.3 (MANE Select); coding-DNA position 505, T replaced by C.
Protein change: p.Phe169Leu; replaces phenylalanine 169 with leucine.
Molecular consequence: missense variant.
Genome position (GRCh38, 1-based): chr20:23,049,000, A>G on the plus strand (T>C on the coding strand, the complement: THBD is on the minus strand). VCF-style: chr20-23049000-A-G. GRCh37 (hg19) VCF-style: chr20-23029637-A-G.
Other names: short protein forms F169L.
Identifiers: ClinVar variation 3721135 (VCV003721135.2).